The following is an entry in ClinVar:

ClinVar aggregate classification (germline): Benign. Review status: criteria provided, multiple submitters, no conflicts (2 of 4 stars). 4 submissions from 4 submitters: Benign (3). 1 of the submissions does not count toward it. Last evaluated 2025-04-09.

Conditions:
NRAP-related disorder. Also called: NRAP-related condition.

Allele frequency attached by ClinVar (database versions not stated): 1000 Genomes Project 30x 0.19769; 1000 Genomes Project 0.20347; TOPMed 0.20857; ESP Exome Variant Server 0.21282; gnomAD 0.21725 and 0.21926; ExAC 0.25980; gnomAD exomes 0.26290 and 0.28487.
gnomAD v4.1: 447,842 of 1,612,360 alleles (28%); highest among the groups gnomAD compares: East Asian, 37%; 66,250 homozygotes.

Submissions (4):

Molecular Diagnostic Laboratory for Inherited Cardiovascular Disease, Montreal Heart Institute
Classification: Benign. Last evaluated: 2025-04-09. Review status: criteria provided, single submitter. Criteria: ACMG Guidelines, 2015. Collection method: clinical testing. Allele origin: germline. Affected: no.

GeneDx
Classification: Benign. Last evaluated: 2021-02-18. Review status: criteria provided, single submitter. Criteria: GeneDx Variant Classification Process June 2021. Collection method: clinical testing. Allele origin: germline. Affected: yes.

Breakthrough Genomics
Classification: Benign. Review status: criteria provided, single submitter. Criteria: ACMG Guidelines, 2015. Collection method: not provided. Allele origin: germline. Inheritance: Unknown mechanism. Affected: yes.

PreventionGenetics, part of Exact Sciences
Classification: Benign for NRAP-related condition. Last evaluated: 2019-10-21. Review status: no assertion criteria provided. Collection method: clinical testing. Allele origin: germline. Not counted in ClinVar's aggregate classification.
Comment: This variant is classified as benign based on ACMG/AMP sequence variant interpretation guidelines (Richards et al. 2015 PMID: 25741868, with internal and published modifications).

NM_198060.4(NRAP):c.746A>G (p.Tyr249Cys)

Gene: NRAP (nebulin related anchoring protein; minus strand). Cytogenetic location: 10q25.3.
Variant type: single nucleotide variant.
Coding change: c.746A>G on transcript NM_198060.4 (MANE Select); coding-DNA position 746, A replaced by G.
Protein change: p.Tyr249Cys; replaces tyrosine 249 with cysteine.
Molecular consequence: missense variant.
Genome position (GRCh38, 1-based): chr10:113,650,475, T>C on the plus strand (A>G on the coding strand, the complement: NRAP is on the minus strand). VCF-style: chr10-113650475-T-C. GRCh37 (hg19) VCF-style: chr10-115410234-T-C.
Other names: c.746A>G, p.Tyr249Cys (NM_001261463.2, NM_001322945.2, NM_006175.5); short protein forms Y249C.
Identifiers: ClinVar variation 1182431 (VCV001182431.6), dbSNP rs2185913, ClinGen allele CA5695818.